The following is an entry in ClinVar:

ClinVar aggregate classification (germline): Uncertain significance (1 of 4 stars; one submission).

gnomAD v4.1: 6 of 1,613,162 alleles (0.00037%); highest among the groups gnomAD compares: Non-Finnish European, 0.00051%; no homozygotes.

Submission:

GeneDx
Classification: Uncertain significance. Last evaluated: 2019-08-15. Review status: criteria provided, single submitter. Criteria: GeneDx Variant Classification Process June 2021. Collection method: clinical testing. Allele origin: germline. Affected: yes.
Comment: Not observed in large population cohorts (Lek et al., 2016); In silico analysis, which includes protein predictors and evolutionary conservation, supports a deleterious effect; Has not been previously published as pathogenic or benign to our knowledge

NM_018082.6(POLR3B):c.2306G>C (p.Cys769Ser)

Gene: POLR3B (RNA polymerase III subunit B; plus strand). Cytogenetic location: 12q23.3.
Variant type: single nucleotide variant.
Coding change: c.2306G>C on transcript NM_018082.6 (MANE Select); coding-DNA position 2306, G replaced by C.
Protein change: p.Cys769Ser; replaces cysteine 769 with serine.
Molecular consequence: missense variant.
Genome position (GRCh38, 1-based): chr12:106,457,150, G>C. VCF-style: chr12-106457150-G-C. GRCh37 (hg19) VCF-style: chr12-106850928-G-C.
Other names: c.2132G>C, p.Cys711Ser (NM_001160708.2); short protein forms C711S, C769S.
Identifiers: ClinVar variation 1307882 (VCV001307882.2), dbSNP rs2137030342, ClinGen allele CA386388292.